The following is an entry in ClinVar:

ClinVar aggregate classification (germline): Uncertain significance. Review status: criteria provided, multiple submitters, no conflicts (2 of 4 stars). 4 submissions from 4 submitters: Uncertain significance (4). Last evaluated 2025-09-03.

Conditions:
Saldino-Mainzer syndrome (SRTD9). Also called: short-rib thoracic dysplasia 9 with or without polydactyly; CONORENAL SYNDROME; Renal dysplasia, retinal pigmentary dystrophy, cerebellar ataxia and skeletal dysplasia; SHORT-RIB THORACIC DYSPLASIA 9 WITHOUT POLYDACTYLY. Identifiers: Orphanet 140969, MedGen C1849437, MONDO:0009964, OMIM 266920.
IFT140-related disorder. Also called: IFT140-related condition.

Allele frequency attached by ClinVar (database versions not stated): gnomAD exomes below 0.00001; TOPMed 0.00001.
gnomAD v4.1: 1 of 1,608,516 alleles (0.000062%); highest among the groups gnomAD compares: Non-Finnish European, 0.000085%; no homozygotes.

Submissions (4):

PreventionGenetics, part of Exact Sciences
Classification: Uncertain significance for IFT140-related condition. Last evaluated: 2025-09-03. Review status: criteria provided, single submitter. Criteria: ACMG Guidelines, 2015. Collection method: clinical testing. Allele origin: germline.
Comment: The IFT140 c.3500C>T variant is predicted to result in the amino acid substitution p.Thr1167Ile. To our knowledge, this variant has not been reported in the literature or in a large population database (gnomAD), indicating this variant is rare. At this time, the clinical significance of this variant is uncertain due to the absence of conclusive functional and genetic evidence.

CeGaT Center for Human Genetics Tuebingen
Classification: Uncertain significance. Last evaluated: 2024-01-01. Review status: criteria provided, single submitter. Criteria: CeGaT Center For Human Genetics Tuebingen Variant Classification Criteria Version 2. Collection method: clinical testing. Allele origin: germline. Affected: yes. Observed: 1 variant allele.
Comment: IFT140: PM2, PM3

Blueprint Genetics
Classification: Uncertain significance. Last evaluated: 2023-02-17. Review status: criteria provided, single submitter. Criteria: ACMG Guidelines, 2015. Collection method: clinical testing. Allele origin: germline.

Labcorp Genetics (formerly Invitae), Labcorp
Classification: Uncertain significance for Saldino-Mainzer syndrome. Last evaluated: 2022-04-24. Review status: criteria provided, single submitter. Criteria: Invitae Variant Classification Sherloc (09022015). Collection method: clinical testing. Allele origin: germline.
Comment: In summary, the available evidence is currently insufficient to determine the role of this variant in disease. Therefore, it has been classified as a Variant of Uncertain Significance. Algorithms developed to predict the effect of missense changes on protein structure and function are either unavailable or do not agree on the potential impact of this missense change (SIFT: "Deleterious"; PolyPhen-2: "Probably Damaging"; Align-GVGD: "Class C0"). This variant has not been reported in the literature in individuals affected with IFT140-related conditions. This variant is not present in population databases (gnomAD no frequency). This sequence change replaces threonine, which is neutral and polar, with isoleucine, which is neutral and non-polar, at codon 1167 of the IFT140 protein (p.Thr1167Ile).

NM_014714.4(IFT140):c.3500C>T (p.Thr1167Ile)

Gene: IFT140 (intraflagellar transport 140; minus strand). Cytogenetic location: 16p13.3.
Variant type: single nucleotide variant.
Coding change: c.3500C>T on transcript NM_014714.4 (MANE Select); coding-DNA position 3500, C replaced by T.
Protein change: p.Thr1167Ile; replaces threonine 1167 with isoleucine.
Molecular consequence: missense variant.
Genome position (GRCh38, 1-based): chr16:1,520,762, G>A on the plus strand (C>T on the coding strand, the complement: IFT140 is on the minus strand). VCF-style: chr16-1520762-G-A. GRCh37 (hg19) VCF-style: chr16-1570763-G-A.
Other names: c.3500C>T (NM_014714.3); short protein forms T1167I.
Identifiers: ClinVar variation 2123013 (VCV002123013.28), dbSNP rs2040502775, ClinGen allele CA394225020.